The following is an entry in ClinVar:

NM_014844.5(TECPR2):c.3060C>T (p.Asp1020=)

Gene: TECPR2 (tectonin beta-propeller repeat containing 2; plus strand). Cytogenetic location: 14q32.31.
Variant type: single nucleotide variant.
Coding change: c.3060C>T on transcript NM_014844.5 (MANE Select); coding-DNA position 3060, C replaced by T.
Protein change: p.Asp1020=; no amino-acid change (aspartic acid 1020 retained).
Molecular consequence: synonymous variant.
Genome position (GRCh38, 1-based): chr14:102,445,932, C>T. VCF-style: chr14-102445932-C-T. GRCh37 (hg19) VCF-style: chr14-102912269-C-T.
Other names: c.3060C>T, p.Asp1020= (NM_001172631.3).
Identifiers: ClinVar variation 1089708 (VCV001089708.19), dbSNP rs143290546, ClinGen allele CA7358118.
Genomic context (GRCh38, chr14:102,445,932, plus strand): 5'-CATCCATGGGAACCTGTGGTTCAGAACTGGCATTATTTCCAAGAAGCCCCAAGGAGATGA[C>T]GACCATTGGTGGCAAGTAGGTGTTCAGCTCTGCGCCACGTGCCGAGGTCTCCCGACCTTT-3'
Protein context (NP_055659.2, residues 1010-1030): GIISKKPQGD[Asp1020=]DHWWQVSITD

ClinVar aggregate classification (germline): Likely benign. Review status: criteria provided, multiple submitters, no conflicts (2 of 4 stars). 4 submissions from 4 submitters: Likely benign (2). 2 of the submissions do not count toward it. Last evaluated 2025-10-26.

Conditions:
Hereditary spastic paraplegia 49 (HSAN9). Also called: NEUROPATHY, HEREDITARY SENSORY AND AUTONOMIC, TYPE IX, WITH DEVELOPMENTAL DELAY; Spastic paraplegia 49, autosomal recessive; TECPR2-Related Hereditary Sensory and Autonomic Neuropathy with Intellectual Disability. Identifiers: Orphanet 320385, MedGen C5190860, MONDO:0014016, OMIM 615031.

Allele frequency attached by ClinVar (database versions not stated): gnomAD 0.00003 and 0.00004; TOPMed 0.00003; gnomAD exomes 0.00006 and 0.00007; ExAC 0.00007; ESP Exome Variant Server 0.00008; 1000 Genomes Project 0.00040; 1000 Genomes Project 30x 0.00047.
gnomAD v4.1: 101 of 1,613,724 alleles (0.0063%); highest among the groups gnomAD compares: Non-Finnish European, 0.0075%; no homozygotes.

Submissions (4):

Labcorp Genetics (formerly Invitae), Labcorp
Classification: Likely benign for Hereditary spastic paraplegia 49. Last evaluated: 2025-10-26. Review status: criteria provided, single submitter. Criteria: Invitae Variant Classification Sherloc (09022015). Collection method: clinical testing. Allele origin: germline.

CeGaT Center for Human Genetics Tuebingen
Classification: Likely benign. Last evaluated: 2025-01-01. Review status: criteria provided, single submitter. Criteria: CeGaT Center For Human Genetics Tuebingen Variant Classification Criteria Version 2. Collection method: clinical testing. Allele origin: germline. Affected: yes. Observed: 1 variant allele.
Comment: TECPR2: BP4, BP7

Clinical Genetics DNA and cytogenetics Diagnostics Lab, Erasmus MC, Erasmus Medical Center
Classification: Likely benign. Review status: no assertion criteria provided. Collection method: clinical testing. Allele origin: germline. Affected: yes. Study: VKGL Data-share Consensus. Not counted in ClinVar's aggregate classification.

Clinical Genetics, Academic Medical Center
Classification: Likely benign. Review status: no assertion criteria provided. Collection method: clinical testing. Allele origin: germline. Affected: yes. Study: VKGL Data-share Consensus. Not counted in ClinVar's aggregate classification.